The following is an entry in ClinVar:

ClinVar aggregate classification (germline): Uncertain significance (0 of 4 stars; one submission).

Conditions:
PLXNA4-related disorder. Also called: PLXNA4-related condition.

gnomAD v4.1: 4 of 1,613,970 alleles (0.00025%); highest among the groups gnomAD compares: Non-Finnish European, 0.00034%; no homozygotes.

Submission:

PreventionGenetics, part of Exact Sciences
Classification: Uncertain significance for PLXNA4-related condition. Last evaluated: 2024-04-18. Review status: no assertion criteria provided. Collection method: clinical testing. Allele origin: germline.
Comment: The PLXNA4 c.1430A>G variant is predicted to result in the amino acid substitution p.Asp477Gly. To our knowledge, this variant has not been reported in the literature or in a large population database, indicating this variant is rare. At this time, the clinical significance of this variant is uncertain due to the absence of conclusive functional and genetic evidence.

NM_020911.2(PLXNA4):c.1371+4337A>G

Gene: PLXNA4 (plexin A4; minus strand). Cytogenetic location: 7q32.3.
Variant type: single nucleotide variant.
Coding change: c.1371+4337A>G on transcript NM_020911.2 (MANE Select); 4337 bases into the intron after coding-DNA position 1371, A replaced by G.
Molecular consequence: intron variant. On other transcripts: missense variant (1).
Genome position (GRCh38, 1-based): chr7:132,484,955, T>C on the plus strand (A>G on the coding strand, the complement: PLXNA4 is on the minus strand). VCF-style: chr7-132484955-T-C. GRCh37 (hg19) VCF-style: chr7-132169714-T-C.
Other names: c.1430A>G, p.Asp477Gly (NM_181775.4); c.1371+4337A>G (NM_001393897.1, NM_001105543.2); short protein forms D477G.
Identifiers: ClinVar variation 3346928 (VCV003346928.1).